The following is an entry in ClinVar:

NM_005633.4(SOS1):c.3538C>A (p.Pro1180Thr)

Gene: SOS1 (SOS Ras/Rac guanine nucleotide exchange factor 1; minus strand). Cytogenetic location: 2p22.1.
Variant type: single nucleotide variant.
Coding change: c.3538C>A on transcript NM_005633.4 (MANE Select); coding-DNA position 3538, C replaced by A.
Protein change: p.Pro1180Thr; replaces proline 1180 with threonine.
Molecular consequence: missense variant.
Genome position (GRCh38, 1-based): chr2:38,986,288, G>T on the plus strand (C>A on the coding strand, the complement: SOS1 is on the minus strand). VCF-style: chr2-38986288-G-T. GRCh37 (hg19) VCF-style: chr2-39213429-G-T.
Other names: c.3517C>A, p.Pro1173Thr (NM_001382394.1); c.3493C>A, p.Pro1165Thr (NM_001382395.1); short protein forms P1165T, P1180T, P1173T.
Identifiers: ClinVar variation 4702279 (VCV004702279.1).

ClinVar aggregate classification (germline): Uncertain significance (1 of 4 stars; one submission).

Conditions:
RASopathy. Also called: Noonan spectrum disorder; rasopathies. Identifiers: Orphanet 536391, MedGen C5555857, MONDO:0021060.

Submission:

Labcorp Genetics (formerly Invitae), Labcorp
Classification: Uncertain significance for RASopathy. Last evaluated: 2025-04-24. Review status: criteria provided, single submitter. Criteria: Invitae Variant Classification Sherloc (09022015). Collection method: clinical testing. Allele origin: germline.
Comment: This sequence change replaces proline, which is neutral and non-polar, with threonine, which is neutral and polar, at codon 1180 of the SOS1 protein (p.Pro1180Thr). This variant is not present in population databases (gnomAD no frequency). This variant has not been reported in the literature in individuals affected with SOS1-related conditions. Invitae Evidence Modeling of protein sequence and biophysical properties (such as structural, functional, and spatial information, amino acid conservation, physicochemical variation, residue mobility, and thermodynamic stability) has been performed for this missense variant. However, the output from this modeling did not meet the statistical confidence thresholds required to predict the impact of this variant on SOS1 protein function. In summary, the available evidence is currently insufficient to determine the role of this variant in disease. Therefore, it has been classified as a Variant of Uncertain Significance.